The following is an entry in ClinVar:

NM_000369.5(TSHR):c.755T>C (p.Leu252Pro)

Genes: TSHR (thyroid stimulating hormone receptor; plus strand), TSHR-AS1 (TSHR antisense RNA 1; minus strand). Cytogenetic location: 14q31.1.
Variant type: single nucleotide variant.
Coding change: c.755T>C on transcript NM_000369.5 (MANE Select); coding-DNA position 755, T replaced by C.
Protein change: p.Leu252Pro; replaces leucine 252 with proline.
Molecular consequence: missense variant.
Genome position (GRCh38, 1-based): chr14:81,139,741, T>C. VCF-style: chr14-81139741-T-C. GRCh37 (hg19) VCF-style: chr14-81606085-T-C.
Other names: short protein forms L252P.
Identifiers: ClinVar variation 3336036 (VCV003336036.1).

ClinVar aggregate classification (germline): Likely pathogenic (1 of 4 stars; one submission).

Conditions:
Familial hyperthyroidism due to mutations in TSH receptor. Also called: HYPERTHYROIDISM, CONGENITAL NONAUTOIMMUNE; HYPERTHYROIDISM, NONAUTOIMMUNE, AUTOSOMAL DOMINANT; TOXIC THYROID HYPERPLASIA, AUTOSOMAL DOMINANT. Identifiers: Orphanet 424, MedGen C1836706, MONDO:0012203, OMIM 609152.

gnomAD v4.1: 1 of 1,614,216 alleles (0.000062%); highest among the groups gnomAD compares: Non-Finnish European, 0.000085%; no homozygotes.

Submission:

Women's Health and Genetics/Laboratory Corporation of America, LabCorp
Classification: Likely pathogenic for Familial hyperthyroidism due to mutations in TSH receptor. Last evaluated: 2024-05-10. Review status: criteria provided, single submitter. Criteria: LabCorp Variant Classification Summary - May 2015. Collection method: clinical testing. Allele origin: germline.
Comment: Variant summary: TSHR c.755T>C (p.Leu252Pro) results in a non-conservative amino acid change in the encoded protein sequence. Five of five in-silico tools predict a damaging effect of the variant on protein function. The variant was absent in 251476 control chromosomes. c.755T>C has been reported in the literature in individuals affected with Familial Hyperthyroidism Due To Mutations In TSH Receptor (Camilot_2005, Tonacchera_2004). These data indicate that the variant may be associated with disease. At least one publication reports experimental evidence evaluating an impact on protein function. The most pronounced variant effect results in reduced TSH-induced cyclic adenosine monophosphate (cAMP) signaling in COS-7 and HEK-EM293 cells (Tonacchera_2004, Allen_2011). The following publications have been ascertained in the context of this evaluation (PMID: 21745101, 16060907, 15531543). No submitters have cited clinical-significance assessments for this variant to ClinVar. Based on the evidence outlined above, the variant was classified as likely pathogenic.

Literature cited by the submitters: PubMed 16060907; PubMed 21745101; PubMed 15531543.